The following is an entry in ClinVar:

NM_019066.5(MAGEL2):c.2610G>T (p.Glu870Asp)

Gene: MAGEL2 (MAGE family member L2; minus strand). Cytogenetic location: 15q11.2.
Variant type: single nucleotide variant.
Coding change: c.2610G>T on transcript NM_019066.5 (MANE Select); coding-DNA position 2610, G replaced by T.
Protein change: p.Glu870Asp; replaces glutamic acid 870 with aspartic acid.
Molecular consequence: missense variant.
Genome position (GRCh38, 1-based): chr15:23,645,133, C>A on the plus strand (G>T on the coding strand, the complement: MAGEL2 is on the minus strand). VCF-style: chr15-23645133-C-A. GRCh37 (hg19) VCF-style: chr15-23890280-C-A.
Other names: c.2610G>T (NM_019066.4); short protein forms E870D.
Identifiers: ClinVar variation 2184203 (VCV002184203.6), dbSNP rs776000743, ClinGen allele CA7429868.

ClinVar aggregate classification (germline): Uncertain significance. Review status: criteria provided, multiple submitters, no conflicts (2 of 4 stars). 3 submissions from 3 submitters: Uncertain significance (2). 1 of the submissions does not count toward it. Last evaluated 2022-12-27.

Conditions:
MAGEL2-related disorder. Also called: MAGEL2-related condition.
Inborn genetic diseases. Identifiers: MedGen C0950123, MeSH D030342.

Allele frequency attached by ClinVar (database versions not stated): ExAC 0.00001.

Submissions (3):

Ambry Genetics
Classification: Uncertain significance for Inborn genetic diseases. Last evaluated: 2022-12-27. Review status: criteria provided, single submitter. Criteria: Ambry Variant Classification Scheme 2023. Collection method: clinical testing. Allele origin: germline.

Labcorp Genetics (formerly Invitae), Labcorp
Classification: Uncertain significance. Last evaluated: 2022-08-07. Review status: criteria provided, single submitter. Criteria: Invitae Variant Classification Sherloc (09022015). Collection method: clinical testing. Allele origin: germline.
Comment: This variant has not been reported in the literature in individuals affected with MAGEL2-related conditions. This variant is present in population databases (rs776000743, gnomAD 0.01%). This sequence change replaces glutamic acid, which is acidic and polar, with aspartic acid, which is acidic and polar, at codon 870 of the MAGEL2 protein (p.Glu870Asp). Experimental studies and prediction algorithms are not available or were not evaluated, and the functional significance of this variant is currently unknown. In summary, the available evidence is currently insufficient to determine the role of this variant in disease. Therefore, it has been classified as a Variant of Uncertain Significance.

PreventionGenetics, part of Exact Sciences
Classification: Uncertain significance for MAGEL2-related condition. Last evaluated: 2023-11-09. Review status: no assertion criteria provided. Collection method: clinical testing. Allele origin: germline. Not counted in ClinVar's aggregate classification.
Comment: The MAGEL2 c.2610G>T variant is predicted to result in the amino acid substitution p.Glu870Asp. To our knowledge, this variant has not been reported in the literature. This variant is reported in 0.013% of alleles in individuals of African descent in gnomAD. At this time, the clinical significance of this variant is uncertain due to the absence of conclusive functional and genetic evidence.